The following is an entry in ClinVar:

NM_022117.4(TSPYL2):c.1060C>T (p.Arg354Cys)

Gene: TSPYL2 (TSPY like 2; plus strand). Cytogenetic location: Xp11.22.
Variant type: single nucleotide variant.
Coding change: c.1060C>T on transcript NM_022117.4 (MANE Select); coding-DNA position 1060, C replaced by T.
Protein change: p.Arg354Cys; replaces arginine 354 with cysteine.
Molecular consequence: missense variant.
Genome position (GRCh38, 1-based): chrX:53,085,016, C>T. VCF-style: chrX-53085016-C-T. GRCh37 (hg19) VCF-style: chrX-53114198-C-T.
Other names: short protein forms R354C.
Identifiers: ClinVar variation 4836361 (VCV004836361.1).
Genomic context (GRCh38, chrX:53,085,016, plus strand): 5'-CGGCTGGTGTCTCACTCAACCCCAATCCGCTGGCACCGGGGCCAGGAACCCCAGGCCCGT[C>T]GTCACGGGAACCAGGATGCGAGCCACAGCTTTTTCAGCTGGTTCTCAAACCATAGCCTCC-3'
Protein context (NP_071400.1, residues 344-364): WHRGQEPQAR[Arg354Cys]HGNQDASHSF

ClinVar aggregate classification (germline): Uncertain significance (1 of 4 stars; one submission).

Submission:

Ambry Genetics
Classification: Uncertain significance. Last evaluated: 2025-12-15. Review status: criteria provided, single submitter. Criteria: Ambry Variant Classification Scheme 2023. Collection method: clinical testing. Allele origin: germline.
Comment: The c.1060C>T (p.R354C) alteration is located in exon 4 (coding exon 4) of the TSPYL2 gene. This alteration results from a C to T substitution at nucleotide position 1060, causing the arginine (R) at amino acid position 354 to be replaced by a cysteine (C). Based on data from gnomAD, the T allele has an overall frequency of <0.001% (1/182533) total alleles studied. The highest observed frequency was 0.004% (1/27373) of Latino alleles. Based on insufficient or conflicting evidence, the clinical significance of this alteration remains unclear.